The following is an entry in ClinVar:

NM_001928.4(CFD):c.358-259_461delinsCATTGA

Gene: CFD (complement factor D; plus strand). Cytogenetic location: 19p13.3.
Variant type: Indel.
Coding change: c.358-259_461delinsCATTGA on transcript NM_001928.4 (MANE Select); 259 bases into the intron before coding-DNA position 358 through coding-DNA position 461, the reference bases replaced by CATTGA.
Molecular consequence: splice acceptor variant.
Genome position (GRCh38, 1-based): chr19:861,440-861,802, 363 bases replaced. GRCh37 (hg19): chr19:861,440-861,802.
Other names: c.379-259_482delinsCATTGA (NM_001317335.2).
Identifiers: ClinVar variation 2077091 (VCV002077091.4), dbSNP rs2512177578, ClinGen allele CA2580096985.

ClinVar aggregate classification (germline): Likely pathogenic (1 of 4 stars; one submission).

Submission:

Labcorp Genetics (formerly Invitae), Labcorp
Classification: Likely pathogenic. Last evaluated: 2022-01-06. Review status: criteria provided, single submitter. Criteria: Invitae Variant Classification Sherloc (09022015). Collection method: clinical testing. Allele origin: germline.
Comment: In summary, the currently available evidence indicates that the variant is pathogenic, but additional data are needed to prove that conclusively. Therefore, this variant has been classified as Likely Pathogenic. Experimental studies and prediction algorithms are not available or were not evaluated, and the effect of this variant on mRNA splicing is currently unknown. This variant has not been reported in the literature in individuals affected with CFD-related conditions. This variant is not present in population databases (gnomAD no frequency). This variant results in the deletion of part of exon 4 (c.358-259_461delinsCATTGA) of the CFD gene. It is expected to disrupt RNA splicing. Variants that disrupt the donor or acceptor splice site typically lead to a loss of protein function (PMID: 16199547), and loss-of-function variants in CFD are known to be pathogenic (PMID: 11724962).

Literature cited by the submitters: PubMed 16199547; PubMed 11724962.